The following is an entry in ClinVar:

NM_002972.4(SBF1):c.1900-14C>A

Gene: SBF1 (SET binding factor 1; minus strand). Cytogenetic location: 22q13.33.
Variant type: single nucleotide variant.
Coding change: c.1900-14C>A on transcript NM_002972.4 (MANE Select); 14 bases into the intron before coding-DNA position 1900, C replaced by A.
Molecular consequence: intron variant.
Genome position (GRCh38, 1-based): chr22:50,462,952, G>T on the plus strand (C>A on the coding strand, the complement: SBF1 is on the minus strand). VCF-style: chr22-50462952-G-T. GRCh37 (hg19) VCF-style: chr22-50901381-G-T.
Other names: c.1903-14C>A (NM_001365819.1).
Identifiers: ClinVar variation 1441651 (VCV001441651.8), dbSNP rs749098829, ClinGen allele CA2573158296.
Genomic context (GRCh38, chr22:50,462,952, plus strand): 5'-GGCAGCAGAGCCGCCGCAATGCCATGCTCGTCCAGAGAAGTGCAGTCCTGCAGGTAGAGC[G>T]AGAGACCGTCAGGACCTCTCCCCTCCCAGGCAGCACTCACCTCCCACCATGCCCCCACCA-3'

ClinVar aggregate classification (germline): Uncertain significance (1 of 4 stars; one submission).

gnomAD v4.1: 1 of 1,608,218 alleles (0.000062%); highest among the groups gnomAD compares: Non-Finnish European, 0.000085%; no homozygotes.

Submission:

Labcorp Genetics (formerly Invitae), Labcorp
Classification: Uncertain significance. Last evaluated: 2021-05-31. Review status: criteria provided, single submitter. Criteria: Invitae Variant Classification Sherloc (09022015). Collection method: clinical testing. Allele origin: germline.
Comment: Algorithms developed to predict the effect of sequence changes on RNA splicing suggest that this variant may create or strengthen a splice site, but this prediction has not been confirmed by published transcriptional studies. In summary, the available evidence is currently insufficient to determine the role of this variant in disease. Therefore, it has been classified as a Variant of Uncertain Significance. This variant has not been reported in the literature in individuals with SBF1-related conditions. This variant is not present in population databases (ExAC no frequency). This sequence change falls in intron 16 of the SBF1 gene. It does not directly change the encoded amino acid sequence of the SBF1 protein.